The following is an entry in ClinVar:

ClinVar aggregate classification (germline): Uncertain significance (1 of 4 stars; one submission).

Conditions:
Hereditary cancer-predisposing syndrome. Also called: Neoplastic Syndromes, Hereditary; Hereditary Cancer Syndrome; Tumor predisposition; Hereditary neoplastic syndrome. Identifiers: Orphanet 140162, MedGen C0027672, MeSH D009386, MONDO:0015356.

Allele frequency attached by ClinVar (database versions not stated): gnomAD exomes below 0.00001.
gnomAD v4.1: 1 of 1,614,198 alleles (0.000062%); highest among the groups gnomAD compares: Non-Finnish European, 0.000085%; no homozygotes.

Submission:

Ambry Genetics
Classification: Uncertain significance for Hereditary cancer-predisposing syndrome. Last evaluated: 2023-01-26. Review status: criteria provided, single submitter. Criteria: Ambry Variant Classification Scheme 2023. Collection method: clinical testing. Allele origin: germline.
Comment: The p.Y1092D variant (also known as c.3274T>G), located in coding exon 20 of the ALK gene, results from a T to G substitution at nucleotide position 3274. The tyrosine at codon 1092 is replaced by aspartic acid, an amino acid with highly dissimilar properties. This amino acid position is conserved. In addition, this alteration is predicted to be deleterious by in silico analysis. Since supporting evidence is limited at this time, the clinical significance of this alteration remains unclear.

NM_004304.5(ALK):c.3274T>G (p.Tyr1092Asp)

Gene: ALK (ALK receptor tyrosine kinase; minus strand). Cytogenetic location: 2p23.2.
Variant type: single nucleotide variant.
Coding change: c.3274T>G on transcript NM_004304.5 (MANE Select); coding-DNA position 3274, T replaced by G.
Protein change: p.Tyr1092Asp; replaces tyrosine 1092 with aspartic acid.
Molecular consequence: missense variant.
Genome position (GRCh38, 1-based): chr2:29,223,427, A>C on the plus strand (T>G on the coding strand, the complement: ALK is on the minus strand). VCF-style: chr2-29223427-A-C. GRCh37 (hg19) VCF-style: chr2-29446293-A-C.
Other names: c.70T>G, p.Tyr24Asp (NM_001353765.2); short protein forms Y1092D, Y24D.
Identifiers: ClinVar variation 2447089 (VCV002447089.2), dbSNP rs2148170904, ClinGen allele CA346465002.
Genomic context (GRCh38, chr2:29,223,427, plus strand): 5'-GCACCTCCTTCAGGTCACTGATGGAGGAGGTCTTGCCAGCAAAGCAGTAGTTGGGGTTGT[A>C]GTCGGTCATGATGGTCGAGGTGCGGAGCTTGCTCAGCTTGTACTCAGGGCTCTGCAGCTC-3'
Protein context (NP_004295.2, residues 1082-1102): KLRTSTIMTD[Tyr1092Asp]NPNYCFAGKT